The following is an entry in ClinVar:

ClinVar aggregate classification (germline): Pathogenic. Review status: criteria provided, multiple submitters, no conflicts (2 of 4 stars). 3 submissions from 3 submitters: Pathogenic (2). 1 of the submissions does not count toward it. Last evaluated 2025-08-09.

Conditions:
Isovaleryl-CoA dehydrogenase deficiency (IVA). Also called: Isovaleric acidemia; ISOVALERIC ACID CoA DEHYDROGENASE DEFICIENCY; Classic Isovaleric Acidemia; IVD DEFICIENCY. Identifiers: Orphanet 33, MedGen C0268575, MONDO:0009475, OMIM 243500.

Allele frequency attached by ClinVar (database versions not stated): gnomAD exomes below 0.00001; TOPMed below 0.00001; ESP Exome Variant Server 0.00016.

Submissions (3):

Natera, Inc.
Classification: Pathogenic for Isovaleryl-coa dehydrogenase deficiency. Last evaluated: 2025-08-09. Review status: criteria provided, single submitter. Criteria: Natera Variant Classification Schema (03/2026). Collection method: clinical testing. Allele origin: germline.
Comment: The c.111_112delCG variant in IVD is a frameshift variant predicted to shift the reading frame beginning at codon 38 and leads to a stop codon 20 codons downstream. This variant is expected to result in nonsense mediated decay, truncation, or a dysfunctional protein product. This variant is rare in the general population with a frequency below the threshold expected for the associated phenotype(s). This variant has been observed in one or more individuals affected with the associated recessive disease, as either homozygous or compound heterozygous with a second variant (PMID: 27904153). Given the available evidence, this variant is classified as Pathogenic.

Labcorp Genetics (formerly Invitae), Labcorp
Classification: Pathogenic for Isovaleryl-CoA dehydrogenase deficiency. Last evaluated: 2022-09-13. Review status: criteria provided, single submitter. Criteria: Invitae Variant Classification Sherloc (09022015). Collection method: clinical testing. Allele origin: germline.
Comment: For these reasons, this variant has been classified as Pathogenic. ClinVar contains an entry for this variant (Variation ID: 371578). This premature translational stop signal has been observed in individual(s) with isovaleric acidemia (PMID: 27904153). This variant is not present in population databases (gnomAD no frequency). This sequence change creates a premature translational stop signal (p.Val38Glyfs*20) in the IVD gene. It is expected to result in an absent or disrupted protein product. Loss-of-function variants in IVD are known to be pathogenic (PMID: 16602101).

Counsyl
Classification: Likely pathogenic for Isovaleryl-CoA dehydrogenase deficiency. Last evaluated: 2016-10-24. Review status: no assertion criteria provided. Collection method: clinical testing. Allele origin: unknown. Not counted in ClinVar's aggregate classification.

Literature cited by the submitters: PubMed 27904153 (cited by Natera, Inc. and Labcorp Genetics (formerly Invitae), Labcorp); PubMed 16602101 (cited by Labcorp Genetics (formerly Invitae), Labcorp).

NM_002225.5(IVD):c.102_103del (p.Val35fs)

Gene: IVD (isovaleryl-CoA dehydrogenase; plus strand). Cytogenetic location: 15q15.1.
Variant type: Deletion.
Coding change: c.102_103del on transcript NM_002225.5 (MANE Select); coding-DNA positions 102 to 103, 2 bases deleted (CG; older notation c.102_103delCG).
Protein change: p.Val35fs; shifts the reading frame from valine 35.
Molecular consequence: frameshift variant. On other transcripts: 5 prime UTR variant (1), non-coding transcript variant (1).
Genome position (GRCh38, 1-based): chr15:40,405,929-40,405,930, CG deleted. VCF-style (leftmost placement, unchanged base first): chr15-40405928-CCG-C. GRCh37 (hg19) VCF-style: chr15-40698129-CCG-C.
Other names: c.-326_-325del (NM_001354597.3); c.102_103del, p.Val35fs (NM_001354598.3, NM_001354599.3, NM_001354600.3 and 2 more transcripts); c.111_112del (NM_002225.3); short protein forms V35fs.
Identifiers: ClinVar variation 371578 (VCV000371578.15), dbSNP rs1057517379, ClinGen allele CA16041728.